The following is an entry in ClinVar:

ClinVar aggregate classification (germline): Conflicting classifications of pathogenicity. Review status: criteria provided, conflicting classifications (1 of 4 stars). 3 submissions from 3 submitters: Uncertain significance (2); Likely benign (1). Last evaluated 2023-11-10.

Conditions:
Cardiovascular phenotype. Identifiers: MedGen CN230736.
Familial hypobetalipoproteinemia 1. Also called: Hypobetalipoproteinemia, normotriglyceridemic; Acanthocytosis with hypobetalipoproteinemia; APOB-Related Familial Hypobetalipoproteinemia. Identifiers: MedGen C4551990, MONDO:0014252, OMIM 615558.
Hypercholesterolemia, autosomal dominant, type B (FHCL2). Also called: Familial Hypercholesterolemia Type B; HYPERCHOLESTEROLEMIA, FAMILIAL, DUE TO LIGAND-DEFECTIVE APOLIPOPROTEIN B; Familial hypercholesterolemia 2; APOB-Related Familial Hypercholesterolemia, Autosomal Dominant; APOLIPOPROTEIN B-100, FAMILIAL DEFECTIVE; APOLIPOPROTEIN B-100, FAMILIAL LIGAND-DEFECTIVE. Identifiers: MedGen C1704417, MONDO:0007751, OMIM 144010.

Allele frequency attached by ClinVar (database versions not stated): gnomAD exomes below 0.00001; gnomAD 0.00001; TOPMed 0.00001.
gnomAD v4.1: 2 of 1,614,090 alleles (0.00012%); highest among the groups gnomAD compares: African/African-American, 0.0027%; no homozygotes.

Submissions (3):

Labcorp Genetics (formerly Invitae), Labcorp
Classification: Likely benign for Familial hypobetalipoproteinemia 1; Hypercholesterolemia, autosomal dominant, type B. Last evaluated: 2023-11-10. Review status: criteria provided, single submitter. Criteria: Invitae Variant Classification Sherloc (09022015). Collection method: clinical testing. Allele origin: germline.

Ambry Genetics
Classification: Uncertain significance for Cardiovascular phenotype. Last evaluated: 2023-06-04. Review status: criteria provided, single submitter. Criteria: Ambry Variant Classification Scheme 2023. Collection method: clinical testing. Allele origin: germline.
Comment: The p.L154V variant (also known as c.460C>G), located in coding exon 5 of the APOB gene, results from a C to G substitution at nucleotide position 460. The leucine at codon 154 is replaced by valine, an amino acid with highly similar properties. This amino acid position is conserved. In addition, the in silico prediction for this alteration is inconclusive. Since supporting evidence is limited at this time, the clinical significance of this alteration remains unclear.

Fulgent Genetics
Classification: Uncertain significance for Hypercholesterolemia, autosomal dominant, type B; Familial hypobetalipoproteinemia 1. Last evaluated: 2021-08-12. Review status: criteria provided, single submitter. Criteria: ACMG Guidelines, 2015. Collection method: clinical testing. Allele origin: unknown.

NM_000384.3(APOB):c.460C>G (p.Leu154Val)

Gene: APOB (apolipoprotein B; minus strand). Cytogenetic location: 2p24.1.
Variant type: single nucleotide variant.
Coding change: c.460C>G on transcript NM_000384.3 (MANE Select); coding-DNA position 460, C replaced by G.
Protein change: p.Leu154Val; replaces leucine 154 with valine.
Molecular consequence: missense variant.
Genome position (GRCh38, 1-based): chr2:21,038,035, G>C on the plus strand (C>G on the coding strand, the complement: APOB is on the minus strand). VCF-style: chr2-21038035-G-C. GRCh37 (hg19) VCF-style: chr2-21260907-G-C.
Other names: short protein forms L154V.
Identifiers: ClinVar variation 918935 (VCV000918935.8), dbSNP rs914357651, ClinGen allele CA43465663.